The following is an entry in ClinVar:

ClinVar aggregate classification (germline): Uncertain significance (1 of 4 stars; one submission).

Conditions:
Gorlin syndrome. Also called: Nevoid Basal Cell Carcinoma Syndrome; Basal cell nevus syndrome. Identifiers: Orphanet 377, MedGen C0004779, MONDO:0007187.

Allele frequency attached by ClinVar (database versions not stated): gnomAD exomes below 0.00001; TOPMed below 0.00001; ExAC 0.00001.

Submission:

St. Jude Molecular Pathology, St. Jude Children's Research Hospital
Classification: Uncertain significance for Basal cell nevus syndrome 1. Last evaluated: 2023-05-31. Review status: criteria provided, single submitter. Criteria: St. Jude Assertion Criteria 2020. Collection method: clinical testing. Allele origin: germline.
Comment: The PTCH2 c.515T>C (p.Met172Thr) missense change has a maximum subpopulation frequency of 0.0008% in gnomAD v2.1.1. The in silico tool REVEL predicts a deleterious effect on protein function, but to our knowledge this prediction has not been confirmed by functional studies. To our knowledge, this variant has not been reported in individuals with nevoid basal cell carcinoma syndrome.  In summary, the evidence currently available is insufficient to determine the clinical significance of this variant. It has therefore been classified as of uncertain significance.

NM_003738.5(PTCH2):c.515T>C (p.Met172Thr)

Gene: PTCH2 (patched 2; minus strand). Cytogenetic location: 1p34.1.
Variant type: single nucleotide variant.
Coding change: c.515T>C on transcript NM_003738.5 (MANE Select); coding-DNA position 515, T replaced by C.
Protein change: p.Met172Thr; replaces methionine 172 with threonine.
Molecular consequence: missense variant.
Genome position (GRCh38, 1-based): chr1:44,831,985, A>G on the plus strand (T>C on the coding strand, the complement: PTCH2 is on the minus strand). VCF-style: chr1-44831985-A-G. GRCh37 (hg19) VCF-style: chr1-45297657-A-G.
Other names: c.515T>C, p.Met172Thr (NM_001166292.2); short protein forms M172T.
Identifiers: ClinVar variation 2577892 (VCV002577892.1), dbSNP rs773595192, ClinGen allele CA823608.